The following is an entry in ClinVar:

NM_000488.4(SERPINC1):c.439A>G (p.Thr147Ala)

Gene: SERPINC1 (serpin family C member 1; minus strand). Cytogenetic location: 1q25.1.
Variant type: single nucleotide variant.
Coding change: c.439A>G on transcript NM_000488.4 (MANE Select); coding-DNA position 439, A replaced by G.
Protein change: p.Thr147Ala; replaces threonine 147 with alanine.
Molecular consequence: missense variant. On other transcripts: intron variant (1).
Genome position (GRCh38, 1-based): chr1:173,911,984, T>C on the plus strand (A>G on the coding strand, the complement: SERPINC1 is on the minus strand). VCF-style: chr1-173911984-T-C. GRCh37 (hg19) VCF-style: chr1-173881122-T-C.
Other names: NM_000488.4(SERPINC1):c.439A>G; p.Thr147Ala; c.295A>G, p.Thr99Ala (NM_001365052.2); c.439A>G, p.Thr147Ala (NM_001386302.1, NM_001386304.1, NM_001386305.1); c.520A>G, p.Thr174Ala (NM_001386303.1); c.409-1093A>G (NM_001386306.1); c.439A>G (NM_000488.3); short protein forms T147A, T174A, T99A.
Identifiers: ClinVar variation 1170692 (VCV001170692.12), dbSNP rs2227606, ClinGen allele CA1251411.
Genomic context (GRCh38, chr1:173,911,984, plus strand): 5'-TGGCTTTTCGATAGAGTCGGCAGTTCAGTTTGGCAAAGAAGAAGTGGATCTGATCAGATG[T>C]TTTCTCAGATATGGTGTCAAACTTAAATACCTATAGAAGTCAAAAAAAAATGGTGGTGGG-3'
Protein context (NP_000479.1, residues 137-157): VFKFDTISEK[Thr147Ala]SDQIHFFFAK

ClinVar aggregate classification (germline): Likely pathogenic. Review status: reviewed by expert panel (3 of 4 stars). 4 submissions from 4 submitters: Likely pathogenic (1). 3 of the submissions do not count toward it. Last evaluated 2024-02-19.

Conditions:
SERPINC1-related disorder. Also called: SERPINC1-related condition.
Hereditary antithrombin deficiency (AT3D). Also called: Reduced antithrombin III activity; Antithrombin deficiency; Antithrombin III deficiency; Thrombophilia due to antithrombin III deficiency. Identifiers: Orphanet 82, MedGen C0272375, MONDO:0013144, OMIM 613118, HP:0001976.

Allele frequency attached by ClinVar (database versions not stated): gnomAD exomes 0.00018 and 0.00041; 1000 Genomes Project 30x 0.00281; ESP Exome Variant Server 0.00177; gnomAD 0.00184 and 0.00173; ExAC 0.00058; TOPMed 0.00195; 1000 Genomes Project 0.00280.
gnomAD v4.1: 527 of 1,614,064 alleles (0.033%); highest among the groups gnomAD compares: African/African-American, 0.65%; 3 homozygotes.

Submissions (4):

Clingen Thrombosis Variant Curation Expert Panel, ClinGen
Classification: Likely pathogenic for Hereditary antithrombin deficiency. Last evaluated: 2024-02-19. Review status: reviewed by expert panel. Criteria: ClinGen ACMG Specifications SERPINC1 V1.0.0. Collection method: curation. Allele origin: germline. Inheritance: Autosomal dominant inheritance.
Comment: The NM_000488.4(SERPINC1):c.439A>G variant predicts a missense change from Threonine to Alanine at position 147. Several patients with AT deficiency are reported with the Thr147Ala variant and meet the phenotype criteria for PS4_Very Strong and PP4. Reduced antithrombin activity was observed when the variant was analyzed by in in-vitro assays (PMID: 32920809) meeting PS3_Supporting. This variant has a frequency of 0.53% (>0.002 at 99.99% CI w/subpopulation of w/min of 5 alleles) in the African American subpopulation, with 143 heterozygous alleles (gnomAD v2.1.1). While this meets the BA1 cut-off set by the Thrombosis VCEP, the variant is excluded from the application from BA1 as it is a founder variant in the African population (PMID: 32920809). This missense variant has a REVEL score of 0.242, which is below the set threshold (>0.3), and meets BP4. However, the Thrombosis VCEP uses the Bayesian point system (PMID: 32720330) in the event of a variant meeting conflicting benign and pathogenic codes. In the case of Thr147Ala, PS4 is met at the very strong level. This give a total of 9 points, which corresponds to a likely pathogenic classification. In summary, the variant meets criteria to be classified as likely pathogenic. ACMG/AMP criteria applied, as specified by the Thrombosis Variant Curation Expert Panel for SERPINC1: PS4_VeryStrong, PP4, PS3_Supporting, BP4.

Labcorp Genetics (formerly Invitae), Labcorp
Classification: Benign for Hereditary antithrombin deficiency. Last evaluated: 2026-01-20. Review status: criteria provided, single submitter. Criteria: Invitae Variant Classification Sherloc (09022015). Collection method: clinical testing. Allele origin: germline. Not counted in ClinVar's aggregate classification.

First Genomix Gene Laboratory, Genetic Diagnostics Department
Classification: Likely pathogenic for Hereditary antithrombin deficiency. Last evaluated: 2025-03-26. Review status: criteria provided, single submitter. Criteria: ACMG Guidelines, 2015. Collection method: clinical testing. Allele origin: germline. Inheritance: Autosomal recessive inheritance. Affected: no. Observed: 1 variant allele. Not counted in ClinVar's aggregate classification.

PreventionGenetics, part of Exact Sciences
Classification: Likely benign for SERPINC1-related condition. Last evaluated: 2021-09-16. Review status: no assertion criteria provided. Collection method: clinical testing. Allele origin: germline. Not counted in ClinVar's aggregate classification.
Comment: This variant is classified as likely benign based on ACMG/AMP sequence variant interpretation guidelines (Richards et al. 2015 PMID: 25741868, with internal and published modifications).